The following is an entry in ClinVar:

NM_001128225.3(SLC39A13):c.889G>A (p.Ala297Thr)

Gene: SLC39A13 (solute carrier family 39 member 13; plus strand). Cytogenetic location: 11p11.2.
Variant type: single nucleotide variant.
Coding change: c.889G>A on transcript NM_001128225.3 (MANE Select); coding-DNA position 889, G replaced by A.
Protein change: p.Ala297Thr; replaces alanine 297 with threonine.
Molecular consequence: missense variant. On other transcripts: non-coding transcript variant (1).
Genome position (GRCh38, 1-based): chr11:47,414,879, G>A. VCF-style: chr11-47414879-G-A. GRCh37 (hg19) VCF-style: chr11-47436430-G-A.
Other names: c.889G>A, p.Ala297Thr (NM_001330245.2, NM_152264.5); short protein forms A297T.
Identifiers: ClinVar variation 1196182 (VCV001196182.10), dbSNP rs374739509, ClinGen allele CA5975975.
Genomic context (GRCh38, chr11:47,414,879, plus strand): 5'-TGGAGCGCAGCCAAGCTGCAACTCTCAACAGCGCTGGGGGGCCTACTGGGCGCTGGCTTC[G>A]CCATCTGTACCCAGTCCCCCAAGGGAGTAGGTACGGGCGTGGCGGGTGGTTGTGGCGGGT-3'
Protein context (NP_001121697.2, residues 287-307): ALGGLLGAGF[Ala297Thr]ICTQSPKGVV

ClinVar aggregate classification (germline): Uncertain significance. Review status: criteria provided, multiple submitters, no conflicts (2 of 4 stars). 4 submissions from 4 submitters: Uncertain significance (4). Last evaluated 2026-08-17.

Conditions:
Inborn genetic diseases. Identifiers: MedGen C0950123, MeSH D030342.
Ehlers-Danlos syndrome, spondylodysplastic type, 3. Also called: Ehlers-Danlos syndrome, spondylocheirodysplastic type. Identifiers: Orphanet 157965, MedGen C2676510, MONDO:0012873, OMIM 612350.

Allele frequency attached by ClinVar (database versions not stated): gnomAD exomes 0.00003 and 0.00007; ExAC 0.00004; ESP Exome Variant Server 0.00008; TOPMed 0.00004; gnomAD 0.00005.

Submissions (4):

GeneDx
Classification: Uncertain significance. Last evaluated: 2026-08-17. Review status: criteria provided, single submitter. Criteria: GeneDx Variant Classification Process June 2021. Collection method: clinical testing. Allele origin: germline.
Comment: In silico analysis supports that this missense variant has a deleterious effect on protein structure/function; Has not been previously published as pathogenic or benign to our knowledge

Women's Health and Genetics/Laboratory Corporation of America, LabCorp
Classification: Uncertain significance. Last evaluated: 2026-04-21. Review status: criteria provided, single submitter. Criteria: LabCorp Variant Classification Summary - May 2015. Collection method: clinical testing. Allele origin: germline.
Comment: Variant summary: SLC39A13 c.889G>A (p.Ala297Thr) results in a non-conservative amino acid change in the encoded protein sequence. Algorithms developed to predict the effect of missense changes on protein structure and function are either unavailable or do not agree on the potential impact of this missense change. The variant allele was found at a frequency of 6.8e-05 in 248856 control chromosomes. This frequency is not significantly higher than estimated for disease-causing variants in SLC39A13, allowing no conclusion about variant significance. To our knowledge, no occurrence of c.889G>A in individuals affected with SLC39A13-related conditions and no experimental evidence demonstrating its impact on protein function have been reported. ClinVar contains an entry for this variant (Variation ID: 1196182). Based on the evidence outlined above, the variant was classified as uncertain significance.

Ambry Genetics
Classification: Uncertain significance for Inborn genetic diseases. Last evaluated: 2025-04-07. Review status: criteria provided, single submitter. Criteria: Ambry Variant Classification Scheme 2023. Collection method: clinical testing. Allele origin: germline.

Labcorp Genetics (formerly Invitae), Labcorp
Classification: Uncertain significance for Ehlers-Danlos syndrome, spondylodysplastic type, 3. Last evaluated: 2022-06-21. Review status: criteria provided, single submitter. Criteria: Invitae Variant Classification Sherloc (09022015). Collection method: clinical testing. Allele origin: germline.
Comment: This sequence change replaces alanine, which is neutral and non-polar, with threonine, which is neutral and polar, at codon 297 of the SLC39A13 protein (p.Ala297Thr). This variant is present in population databases (rs374739509, gnomAD 0.09%). This variant has not been reported in the literature in individuals affected with SLC39A13-related conditions. ClinVar contains an entry for this variant (Variation ID: 1196182). Algorithms developed to predict the effect of missense changes on protein structure and function are either unavailable or do not agree on the potential impact of this missense change (SIFT: "Deleterious"; PolyPhen-2: "Probably Damaging"; Align-GVGD: "Class C0"). In summary, the available evidence is currently insufficient to determine the role of this variant in disease. Therefore, it has been classified as a Variant of Uncertain Significance.